The following is an entry in ClinVar:

ClinVar aggregate classification (germline): Likely benign (1 of 4 stars; one submission).

gnomAD v4.1: 203 of 1,613,980 alleles (0.013%); highest among the groups gnomAD compares: African/African-American, 0.17%; no homozygotes.

Submission:

Mayo Clinic Laboratories, Mayo Clinic
Classification: Likely benign. Last evaluated: 2025-06-23. Review status: criteria provided, single submitter. Criteria: ACMG Guidelines, 2015. Collection method: clinical testing. Allele origin: germline. Observed: 1 variant allele.
Comment: BP4, BP7

NM_000053.4(ATP7B):c.1707+22C>T

Gene: ATP7B (ATPase copper transporting beta; minus strand). Cytogenetic location: 13q14.3.
Variant type: single nucleotide variant.
Coding change: c.1707+22C>T on transcript NM_000053.4 (MANE Select); 22 bases into the intron after coding-DNA position 1707, C replaced by T.
Molecular consequence: intron variant.
Genome position (GRCh38, 1-based): chr13:51,968,422, G>A on the plus strand (C>T on the coding strand, the complement: ATP7B is on the minus strand). VCF-style: chr13-51968422-G-A. GRCh37 (hg19) VCF-style: chr13-52542558-G-A.
Other names: p.?; c.1707+22C>T (NM_001406541.1, NM_001406531.1, NM_001406527.1 and 26 more transcripts); c.1611+22C>T (NM_001406543.1, NM_001406518.1, NM_001406544.1 and 3 more transcripts); c.1374+22C>T (NM_001243182.2); c.1285+5513C>T (NM_001406548.1); c.1674+22C>T (NM_001406524.1, NM_001406514.1); c.1278+22C>T (NM_001406539.1).
Identifiers: ClinVar variation 4683801 (VCV004683801.1).